The following is an entry in ClinVar:

NM_001148.6(ANK2):c.6946C>T (p.Pro2316Ser)

Genes: ANK2 (ankyrin 2; plus strand), LOC126807137 (CDK7 strongly-dependent group 2 enhancer GRCh37_chr4:114276560-114277759; plus strand). Cytogenetic location: 4q26.
Variant type: single nucleotide variant.
Coding change: c.6946C>T on transcript NM_001148.6 (MANE Select); coding-DNA position 6946, C replaced by T.
Protein change: p.Pro2316Ser; replaces proline 2316 with serine.
Molecular consequence: missense variant. On other transcripts: intron variant (68).
Genome position (GRCh38, 1-based): chr4:113,355,564, C>T. VCF-style: chr4-113355564-C-T. GRCh37 (hg19) VCF-style: chr4-114276720-C-T.
Other names: c.4043-5259C>T (NM_001386157.1, NM_001354277.2); c.4361-5259C>T (NM_001386161.1, NM_001354244.2, NM_001354256.2); c.4286-5259C>T (NM_001354261.2); c.4166-5259C>T (NM_001386156.1, NM_001354257.2); c.4262-5259C>T (NM_001354264.2); c.4241-5259C>T (NM_001354267.2, NM_001386162.1, NM_001354249.2 and 2 more transcripts); c.4142-5259C>T (NM_001354271.2, NM_001386151.1, NM_001354260.2); c.3944-5259C>T (NM_001386158.1); and 35 more; short protein forms P2238S, P2316S, P1116S, P2363S, P2355S.
Identifiers: ClinVar variation 3706034 (VCV003706034.5).

ClinVar aggregate classification (germline): Conflicting classifications of pathogenicity. Review status: criteria provided, conflicting classifications (1 of 4 stars). 3 submissions from 3 submitters: Uncertain significance (2); Likely benign (1). Last evaluated 2026-04-09.

Conditions:
Cardiovascular phenotype. Identifiers: MedGen CN230736.
Long QT syndrome (LQTS). Identifiers: MedGen C0023976, MeSH D008133, MONDO:0002442. Disease mechanism: loss of function. Inheritance: Various modes of inheritance.

gnomAD v4.1: 3 of 1,614,078 alleles (0.00019%); highest among the groups gnomAD compares: East Asian, 0.0067%; no homozygotes.

Submissions (3):

Ambry Genetics
Classification: Likely benign for Cardiovascular phenotype. Last evaluated: 2026-04-09. Review status: criteria provided, single submitter. Criteria: Ambry Variant Classification Scheme 2023. Collection method: clinical testing. Allele origin: germline.

Labcorp Genetics (formerly Invitae), Labcorp
Classification: Uncertain significance for Long QT syndrome. Last evaluated: 2024-11-27. Review status: criteria provided, single submitter. Criteria: Invitae Variant Classification Sherloc (09022015). Collection method: clinical testing. Allele origin: germline.
Comment: This sequence change replaces proline, which is neutral and non-polar, with serine, which is neutral and polar, at codon 2316 of the ANK2 protein (p.Pro2316Ser). This variant is present in population databases (rs754034649, gnomAD 0.02%). This variant has not been reported in the literature in individuals affected with ANK2-related conditions. An algorithm developed to predict the effect of missense changes on protein structure and function outputs the following: PolyPhen-2: "Benign". The serine amino acid residue is found in multiple mammalian species, which suggests that this missense change does not adversely affect protein function. In summary, the available evidence is currently insufficient to determine the role of this variant in disease. Therefore, it has been classified as a Variant of Uncertain Significance.

Clinical Genomics Laboratory, Stanford Medicine
Classification: Uncertain significance. Last evaluated: 2022-03-17. Review status: criteria provided, single submitter. Criteria: ACMG Guidelines, 2015. Collection method: clinical testing. Allele origin: germline. Observed: 1 variant allele, 1 heterozygote.
Comment: The p.Pro2316Ser variant in the ANK2 gene has not been previously reported in association with disease. This variant has been identified in 4/18,342 East Asian chromosomes by the Genome Aggregation Database. Computational tools predict that this variant does not impact protein function; however, the accuracy of in silico algorithms is limited. These data were assessed using the ACMG/AMP variant interpretation guidelines. In summary, the significance of the p.Pro2316Ser variant is uncertain. Additional information is needed to resolve the significance of this variant. [ACMG evidence codes used: BP4]